The following is an entry in ClinVar:

NM_000349.3(STAR):c.743del (p.Lys248fs)

Gene: STAR (steroidogenic acute regulatory protein; minus strand). Cytogenetic location: 8p11.23.
Variant type: Deletion.
Coding change: c.743del on transcript NM_000349.3 (MANE Select); coding-DNA position 743, one base deleted (A; older notation c.743delA).
Protein change: p.Lys248fs; shifts the reading frame from lysine 248.
Molecular consequence: frameshift variant.
Genome position (GRCh38, 1-based): chr8:38,145,223, T deleted on the plus strand (A on the coding strand, the reverse complement: STAR is on the minus strand); the first of 2 consecutive T bases (chr8:38,145,223-38,145,224); deleting either gives the same sequence. VCF-style (leftmost placement, unchanged base first): chr8-38145222-CT-C. GRCh37 (hg19) VCF-style: chr8-38002740-CT-C.
Other names: short protein forms K248fs.
Identifiers: ClinVar variation 4818229 (VCV004818229.1).

ClinVar aggregate classification (germline): Likely pathogenic (1 of 4 stars; one submission).

Conditions:
Congenital lipoid adrenal hyperplasia due to STAR deficency. Also called: ADRENAL HYPERPLASIA I; Congenital Lipoid Adrenal Hyperplasia; Lipoid adrenal hyperplasia; Cholesterol monooxygenase (side-chain cleaving) deficiency. Identifiers: Orphanet 418, Orphanet 90790, MedGen C0342474, MONDO:0008725, OMIM 201710.

Submission:

Natera, Inc.
Classification: Likely pathogenic for Congenital lipoid adrenal hyperplasia. Last evaluated: 2025-10-17. Review status: criteria provided, single submitter. Criteria: Natera Variant Classification Schema (03/2026). Collection method: clinical testing. Allele origin: germline.
Comment: The c.743del variant in STAR is a frameshift variant predicted to elongate the protein beyond the termination codon. This variant is expected to result in nonsense mediated decay, truncation, or a dysfunctional protein product. This variant is rare in the general population with a frequency below the threshold expected for the associated phenotype(s). Given the available evidence, this variant is classified as Likely Pathogenic.